The following is an entry in ClinVar:

NM_201596.3(CACNB2):c.343G>A (p.Val115Ile)

Gene: CACNB2 (calcium voltage-gated channel auxiliary subunit beta 2; plus strand). Cytogenetic location: 10p12.31.
Variant type: single nucleotide variant.
Coding change: c.343G>A on transcript NM_201596.3 (MANE Select); coding-DNA position 343, G replaced by A.
Protein change: p.Val115Ile; replaces valine 115 with isoleucine.
Molecular consequence: missense variant.
Genome position (GRCh38, 1-based): chr10:18,498,364, G>A. VCF-style: chr10-18498364-G-A. GRCh37 (hg19) VCF-style: chr10-18787293-G-A.
Other names: c.178G>A, p.Val60Ile (NM_000724.4, NM_001330060.2); c.259G>A, p.Val87Ile (NM_001167945.2, NM_201571.4, NM_201572.4); c.199G>A, p.Val67Ile (NM_201570.3); c.181G>A, p.Val61Ile (NM_201590.3); c.343G>A, p.Val115Ile (NM_201593.3, NM_201597.3); short protein forms V115I, V60I, V61I, V87I, V67I.
Identifiers: ClinVar variation 1406289 (VCV001406289.11), dbSNP rs747480172, ClinGen allele CA5429596.
Genomic context (GRCh38, chr10:18,498,364, plus strand): 5'-GACAGTGTTGTTTTGCTCTTATTTTTTTCCCTCTTCCTTTTCCCACTTTAGACAAAGCCC[G>A]TTGCATTTGCGGTTCGGACAAATGTCAGCTACAGTGCGGCCCATGAAGATGATGTTCCAG-3'
Protein context (NP_963890.2, residues 105-125): AQLEKAKTKP[Val115Ile]AFAVRTNVSY

ClinVar aggregate classification (germline): Uncertain significance. Review status: criteria provided, multiple submitters, no conflicts (2 of 4 stars). 4 submissions from 4 submitters: Uncertain significance (4). Last evaluated 2024-08-26.

Conditions:
Brugada syndrome 4 (BRGDA4). Identifiers: Orphanet 130, MedGen C2678477, MONDO:0012743, OMIM 611876.
Cardiovascular phenotype. Identifiers: MedGen CN230736.

gnomAD v4.1: 38 of 1,613,924 alleles (0.0024%); highest among the groups gnomAD compares: African/African-American, 0.0093%; no homozygotes.

Submissions (4):

Ambry Genetics
Classification: Uncertain significance for Cardiovascular phenotype. Last evaluated: 2024-08-26. Review status: criteria provided, single submitter. Criteria: Ambry Variant Classification Scheme 2023. Collection method: clinical testing. Allele origin: germline.
Comment: The p.V61I variant (also known as c.181G>A), located in coding exon 3 of the CACNB2 gene, results from a G to A substitution at nucleotide position 181. The valine at codon 61 is replaced by isoleucine, an amino acid with highly similar properties. This amino acid position is conserved. In addition, the in silico prediction for this alteration is inconclusive. The evidence for this gene-disease relationship is limited; therefore, the clinical significance of this alteration is unclear.

Labcorp Genetics (formerly Invitae), Labcorp
Classification: Uncertain significance for Brugada syndrome 4. Last evaluated: 2022-10-13. Review status: criteria provided, single submitter. Criteria: Invitae Variant Classification Sherloc (09022015). Collection method: clinical testing. Allele origin: germline.
Comment: This sequence change replaces valine, which is neutral and non-polar, with isoleucine, which is neutral and non-polar, at codon 61 of the CACNB2 protein (p.Val61Ile). This variant is present in population databases (rs747480172, gnomAD 0.02%). This variant has not been reported in the literature in individuals affected with CACNB2-related conditions. ClinVar contains an entry for this variant (Variation ID: 1406289). Advanced modeling of protein sequence and biophysical properties (such as structural, functional, and spatial information, amino acid conservation, physicochemical variation, residue mobility, and thermodynamic stability) performed at Invitae indicates that this missense variant is expected to disrupt CACNB2 protein function. In summary, the available evidence is currently insufficient to determine the role of this variant in disease. Therefore, it has been classified as a Variant of Uncertain Significance.

Revvity Omics, Revvity
Classification: Uncertain significance for Brugada syndrome 4. Last evaluated: 2022-03-22. Review status: criteria provided, single submitter. Criteria: ACMG Guidelines, 2015. Collection method: clinical testing. Allele origin: germline.

Fulgent Genetics
Classification: Uncertain significance for Brugada syndrome 4. Last evaluated: 2021-09-14. Review status: criteria provided, single submitter. Criteria: ACMG Guidelines, 2015. Collection method: clinical testing. Allele origin: unknown.